The following is an entry in ClinVar:

ClinVar aggregate classification (germline): Uncertain significance (1 of 4 stars; one submission).

Conditions:
Inborn genetic diseases. Identifiers: MedGen C0950123, MeSH D030342.

Allele frequency attached by ClinVar (database versions not stated): gnomAD exomes below 0.00001; ExAC 0.00001.
gnomAD v4.1: 1 of 1,614,040 alleles (0.000062%); highest among the groups gnomAD compares: Non-Finnish European, 0.000085%; no homozygotes.

Submission:

Ambry Genetics
Classification: Uncertain significance for Inborn genetic diseases. Last evaluated: 2021-07-01. Review status: criteria provided, single submitter. Criteria: Ambry Variant Classification Scheme 2023. Collection method: clinical testing. Allele origin: germline.
Comment: The p.I331V variant (also known as c.991A>G), located in coding exon 7 of the CDH2 gene, results from an A to G substitution at nucleotide position 991. The isoleucine at codon 331 is replaced by valine, an amino acid with highly similar properties. This amino acid position is conserved. In addition, this alteration is predicted to be tolerated by in silico analysis. Since supporting evidence is limited at this time, the clinical significance of this alteration remains unclear.

NM_001792.5(CDH2):c.991A>G (p.Ile331Val)

Gene: CDH2 (cadherin 2; minus strand). Cytogenetic location: 18q12.1.
Variant type: single nucleotide variant.
Coding change: c.991A>G on transcript NM_001792.5 (MANE Select); coding-DNA position 991, A replaced by G.
Protein change: p.Ile331Val; replaces isoleucine 331 with valine.
Molecular consequence: missense variant.
Genome position (GRCh38, 1-based): chr18:28,003,026, T>C on the plus strand (A>G on the coding strand, the complement: CDH2 is on the minus strand). VCF-style: chr18-28003026-T-C. GRCh37 (hg19) VCF-style: chr18-25582990-T-C.
Other names: c.898A>G, p.Ile300Val (NM_001308176.2); short protein forms I300V, I331V.
Identifiers: ClinVar variation 1768607 (VCV001768607.2), dbSNP rs200593657, ClinGen allele CA8923558.
Genomic context (GRCh38, chr18:28,003,026, plus strand): 5'-CAAACACAAATAGAGTTTTTGGTTGGCTTACTTCTCGATCAAGTCCAGCTGCCACTGTGA[T>C]GATGTCACCAGTCTCATTGTTGATTGTAAACATGTTGGGTGAAGGGGTGCTTGGAGCCTG-3'
Protein context (NP_001783.2, residues 321-341): FTINNETGDI[Ile331Val]TVAAGLDREK